The following is an entry in ClinVar:

NM_001363711.2(DUOX2):c.2178_2182dup (p.Ala728fs)

Gene: DUOX2 (dual oxidase 2; minus strand). Cytogenetic location: 15q21.1.
Variant type: Duplication.
Coding change: c.2178_2182dup on transcript NM_001363711.2 (MANE Select); coding-DNA positions 2178 to 2182, 5 bases duplicated (GGGCG; older notation c.2178_2182dupGGGCG).
Protein change: p.Ala728fs; shifts the reading frame from alanine 728.
Molecular consequence: frameshift variant.
Genome position (GRCh38, 1-based): chr15:45,105,795-45,105,799, CGCCC duplicated on the plus strand (GGGCG on the coding strand, the reverse complement: DUOX2 is on the minus strand); duplicating any 5 consecutive bases within chr15:45,105,795-45,105,801 gives the same sequence; the c. name uses the placement nearest the transcript's 3' end. VCF-style (leftmost placement, unchanged base first): chr15-45105794-G-GCGCCC. GRCh37 (hg19) VCF-style: chr15-45397992-G-GCGCCC.
Other names: c.2178_2182dup, p.Ala728fs (NM_014080.5); short protein forms A728fs.
Identifiers: ClinVar variation 2771011 (VCV002771011.3), dbSNP rs2504765004, ClinGen allele CA2697549010.

ClinVar aggregate classification (germline): Pathogenic (1 of 4 stars; one submission).

Submission:

Labcorp Genetics (formerly Invitae), Labcorp
Classification: Pathogenic. Last evaluated: 2023-10-22. Review status: criteria provided, single submitter. Criteria: Invitae Variant Classification Sherloc (09022015). Collection method: clinical testing. Allele origin: germline.
Comment: This sequence change creates a premature translational stop signal (p.Ala728Glyfs*24) in the DUOX2 gene. It is expected to result in an absent or disrupted protein product. Loss-of-function variants in DUOX2 are known to be pathogenic (PMID: 12110737, 18765513, 21565790, 24423310, 24735383). This variant is not present in population databases (gnomAD no frequency). This variant has not been reported in the literature in individuals affected with DUOX2-related conditions. Algorithms developed to predict the effect of sequence changes on RNA splicing suggest that this variant may disrupt the consensus splice site. For these reasons, this variant has been classified as Pathogenic.

Literature cited by the submitters: PubMed 12110737; PubMed 18765513; PubMed 21565790; PubMed 24423310; PubMed 24735383.